The following is an entry in ClinVar:

NM_017636.4(TRPM4):c.2489G>T (p.Arg830Leu)

Gene: TRPM4 (transient receptor potential cation channel subfamily M member 4; plus strand). Cytogenetic location: 19q13.33.
Variant type: single nucleotide variant.
Coding change: c.2489G>T on transcript NM_017636.4 (MANE Select); coding-DNA position 2489, G replaced by T.
Protein change: p.Arg830Leu; replaces arginine 830 with leucine.
Molecular consequence: missense variant. On other transcripts: intron variant (1).
Genome position (GRCh38, 1-based): chr19:49,196,718, G>T. VCF-style: chr19-49196718-G-T. GRCh37 (hg19) VCF-style: chr19-49699975-G-T.
Other names: c.2144G>T, p.Arg715Leu (NM_001321281.2); c.881G>T, p.Arg294Leu (NM_001321282.2); c.1967G>T, p.Arg656Leu (NM_001321283.2); c.1427G>T, p.Arg476Leu (NM_001321285.2); c.2211-3582G>T (NM_001195227.2); short protein forms R715L, R294L, R476L, R830L, R656L.
Identifiers: ClinVar variation 1792033 (VCV001792033.2), dbSNP rs34110639, ClinGen allele CA406809335.

ClinVar aggregate classification (germline): Uncertain significance (1 of 4 stars; one submission).

Conditions:
Cardiovascular phenotype. Identifiers: MedGen CN230736.

gnomAD v4.1: 1 of 1,552,756 alleles (0.000064%); highest among the groups gnomAD compares: Non-Finnish European, 0.000087%; no homozygotes.

Submission:

Ambry Genetics
Classification: Uncertain significance for Cardiovascular phenotype. Last evaluated: 2021-12-03. Review status: criteria provided, single submitter. Criteria: Ambry Variant Classification Scheme 2023. Collection method: clinical testing. Allele origin: germline.
Comment: The p.R830L variant (also known as c.2489G>T), located in coding exon 17 of the TRPM4 gene, results from a G to T substitution at nucleotide position 2489. The arginine at codon 830 is replaced by leucine, an amino acid with dissimilar properties. This amino acid position is conserved. In addition, the in silico prediction for this alteration is inconclusive. Since supporting evidence is limited at this time, the clinical significance of this alteration remains unclear.